The following is an entry in ClinVar:

NM_014491.4(FOXP2):c.1122_1128dup (p.Ser377Ter)

Gene: FOXP2 (forkhead box P2; plus strand). Cytogenetic location: 7q31.1.
Variant type: Duplication.
Coding change: c.1122_1128dup on transcript NM_014491.4 (MANE Select); coding-DNA positions 1122 to 1128, 7 bases duplicated (TGACCGA; older notation c.1122_1128dupTGACCGA).
Protein change: p.Ser377Ter; replaces serine 377 with a stop codon.
Molecular consequence: nonsense. On other transcripts: non-coding transcript variant (2).
Genome position (GRCh38, 1-based): chr7:114,652,230-114,652,236, TGACCGA duplicated; duplicating any 7 consecutive bases within chr7:114,652,228-114,652,236 gives the same sequence; the c. name uses the placement nearest the transcript's 3' end. VCF-style (leftmost placement, unchanged base first): chr7-114652227-G-GGATGACC. GRCh37 (hg19) VCF-style: chr7-114292282-G-GGATGACC.
Other names: c.1119_1125dup, p.Ser376Ter (NM_001172766.3); c.1197_1203dup, p.Ser402Ter (NM_001172767.2, NM_148898.4); c.1122_1128dup, p.Ser377Ter (NM_148899.3); c.1173_1179dup, p.Ser394Ter (NM_148900.4); short protein forms S376*, S377*, S394*, S402*.
Identifiers: ClinVar variation 3348847 (VCV003348847.1).

ClinVar aggregate classification (germline): Pathogenic (0 of 4 stars; one submission).

Conditions:
FOXP2-related disorder. Also called: FOXP2-related condition.

Submission:

PreventionGenetics, part of Exact Sciences
Classification: Pathogenic for FOXP2-related condition. Last evaluated: 2024-03-28. Review status: no assertion criteria provided. Collection method: clinical testing. Allele origin: germline.
Comment: The FOXP2 c.1122_1128dup7 variant is predicted to result in premature protein termination (p.Ser377*). To our knowledge, this variant has not been reported in the literature or in a large population database, indicating this variant is rare. Nonsense variants in FOXP2 are expected to be pathogenic. This variant is interpreted as pathogenic.